The following is an entry in ClinVar:

NM_001813.3(CENPE):c.5755-1G>T

Gene: CENPE (centromere protein E; minus strand). Cytogenetic location: 4q24.
Variant type: single nucleotide variant.
Coding change: c.5755-1G>T on transcript NM_001813.3 (MANE Select); the canonical splice acceptor site of the intron before coding-DNA position 5755, G replaced by T.
Molecular consequence: splice acceptor variant.
Genome position (GRCh38, 1-based): chr4:103,140,415, C>A on the plus strand (G>T on the coding strand, the complement: CENPE is on the minus strand). VCF-style: chr4-103140415-C-A. GRCh37 (hg19) VCF-style: chr4-104061572-C-A.
Other names: c.5680-1G>T (NM_001286734.2).
Identifiers: ClinVar variation 1708908 (VCV001708908.2), dbSNP rs568323371, ClinGen allele CA3029531.

ClinVar aggregate classification (germline): Uncertain significance (1 of 4 stars; one submission).

Allele frequency attached by ClinVar (database versions not stated): TOPMed below 0.00001; gnomAD 0.00003; gnomAD exomes 0.00007; ExAC 0.00016; 1000 Genomes Project 30x 0.00031; 1000 Genomes Project 0.00040.
gnomAD v4.1: 96 of 1,566,856 alleles (0.0061%); highest among the groups gnomAD compares: South Asian, 0.11%; 2 homozygotes.

Submission:

GeneDx
Classification: Uncertain significance. Last evaluated: 2022-04-07. Review status: criteria provided, single submitter. Criteria: GeneDx Variant Classification Process June 2021. Collection method: clinical testing. Allele origin: germline. Affected: yes.
Comment: Canonical splice site variant in a gene or region of a gene for which loss of function is not a well-established mechanism of disease; Has not been previously published as pathogenic or benign to our knowledge